The following is an entry in ClinVar:

ClinVar aggregate classification (germline): Uncertain significance (0 of 4 stars; one submission).

Conditions:
NCF4-related disorder. Also called: NCF4-related condition.

gnomAD v4.1: 16 of 1,614,130 alleles (0.00099%); highest among the groups gnomAD compares: Middle Eastern, 0.017%; no homozygotes.

Submission:

PreventionGenetics, part of Exact Sciences
Classification: Uncertain significance for NCF4-related condition. Last evaluated: 2024-07-16. Review status: no assertion criteria provided. Collection method: clinical testing. Allele origin: germline.
Comment: The NCF4 c.911C>T variant is predicted to result in the amino acid substitution p.Ala304Val. To our knowledge, this variant has not been reported in the literature. This variant is reported in 0.016% of alleles in individuals of South Asian descent in gnomAD. At this time, the clinical significance of this variant is uncertain due to the absence of conclusive functional and genetic evidence.

NM_000631.5(NCF4):c.911C>T (p.Ala304Val)

Gene: NCF4 (neutrophil cytosolic factor 4; plus strand). Cytogenetic location: 22q12.3.
Variant type: single nucleotide variant.
Coding change: c.911C>T on transcript NM_000631.5 (MANE Select); coding-DNA position 911, C replaced by T.
Protein change: p.Ala304Val; replaces alanine 304 with valine.
Molecular consequence: missense variant. On other transcripts: 3 prime UTR variant (1).
Genome position (GRCh38, 1-based): chr22:36,877,714, C>T. VCF-style: chr22-36877714-C-T. GRCh37 (hg19) VCF-style: chr22-37273756-C-T.
Other names: c.*109C>T (NM_013416.4); short protein forms A304V.
Identifiers: ClinVar variation 3344660 (VCV003344660.1).